The following is an entry in ClinVar:

NM_000202.8(IDS):c.771T>A (p.Asp257Glu)

Genes: IDS (iduronate 2-sulfatase; minus strand), LOC106050102 (IDS recombination region; plus strand). Cytogenetic location: Xq28.
Variant type: single nucleotide variant.
Coding change: c.771T>A on transcript NM_000202.8 (MANE Select); coding-DNA position 771, T replaced by A.
Protein change: p.Asp257Glu; replaces aspartic acid 257 with glutamic acid.
Molecular consequence: missense variant. On other transcripts: non-coding transcript variant (1).
Genome position (GRCh38, 1-based): chrX:149,496,454, A>T on the plus strand (T>A on the coding strand, the complement: IDS is on the minus strand). VCF-style: chrX-149496454-A-T. GRCh37 (hg19) VCF-style: chrX-148577985-A-T.
Other names: c.501T>A, p.Asp167Glu (NM_001166550.4); c.771T>A, p.Asp257Glu (NM_006123.5); short protein forms D167E, D257E.
Identifiers: ClinVar variation 2904929 (VCV002904929.2), dbSNP rs781865149, ClinGen allele CA10537601.
Genomic context (GRCh38, chrX:149,496,454, plus strand): 5'-TTGGACGTCTTCCCGTTGCCTGATGTCCATCCAGGGGTTGTAGGCCACAGGGGGTAGGCC[A>T]TCAGGGACCTCGGGATCGGGGGCCAGGGTGATGTTCTCCAAGGGATACAACTTCTGAAAT-3'
Protein context (NP_000193.1, residues 247-267): ITLAPDPEVP[Asp257Glu]GLPPVAYNPW

ClinVar aggregate classification (germline): Uncertain significance (1 of 4 stars; one submission).

Conditions:
Mucopolysaccharidosis, MPS-II (MPS2). Also called: Mucopolysaccharidosis with skin involvement; IDS deficiency; Sulfoiduronate sulfatase deficiency; SIDS deficiency; Mucopolysaccharidosis type 2; Attenuated MPS (subtype; formerly known as mild MPS II). Identifiers: Orphanet 580, Orphanet 79388, MedGen C0026705, MONDO:0010674, OMIM 309900.

Allele frequency attached by ClinVar (database versions not stated): ExAC 0.00001.

Submission:

Labcorp Genetics (formerly Invitae), Labcorp
Classification: Uncertain significance for Mucopolysaccharidosis, MPS-II. Last evaluated: 2023-10-03. Review status: criteria provided, single submitter. Criteria: Invitae Variant Classification Sherloc (09022015). Collection method: clinical testing. Allele origin: germline.
Comment: This sequence change replaces aspartic acid, which is acidic and polar, with glutamic acid, which is acidic and polar, at codon 257 of the IDS protein (p.Asp257Glu). This variant is present in population databases (rs781865149, gnomAD 0.001%), including at least one homozygous and/or hemizygous individual. This variant has not been reported in the literature in individuals affected with IDS-related conditions. Advanced modeling of protein sequence and biophysical properties (such as structural, functional, and spatial information, amino acid conservation, physicochemical variation, residue mobility, and thermodynamic stability) performed at Invitae indicates that this missense variant is not expected to disrupt IDS protein function. In summary, the available evidence is currently insufficient to determine the role of this variant in disease. Therefore, it has been classified as a Variant of Uncertain Significance.